The following continues an entry in ClinVar:

NM_000089.4(COL1A2):c.2755G>A (p.Gly919Ser)

Gene: COL1A2. ClinVar aggregate classification (germline): Pathogenic/Likely pathogenic. Pathogenic (3); Likely pathogenic (4).

Submissions 5 to 8 of 8:

Neuberg Centre For Genomic Medicine, NCGM
Classification: Pathogenic for Ehlers-Danlos syndrome, arthrochalasia type, 2. Last evaluated: 2024-02-01. Review status: criteria provided, single submitter. Criteria: ACMG Guidelines, 2015. Collection method: clinical testing. Allele origin: germline. Inheritance: Autosomal dominant inheritance. Affected: yes.
Comment: The observed missense variant c.2755G>A (p.Gly919Ser) in the COL1A2 gene which is located in a mutational hot spot has been reported previously in individual(s) affected with COL1A2- related disorder (Ju et al., 2020; Morlino et al., 2020). This variant disrupts the triple helix domain of COL1A2. Glycine residues within the Gly-Xaa-Yaa repeats of the triple helix domain are required for the structure and stability of fibrillar collagens (Shoulders et al., 2009). Different amino acid change affecting codon 919 (p.Gly919Cys; p.Gly919Asp) is reported as a known pathogenic variant. This variant is reported with the allele frequency (0.003%) in the gnomAD Exomes. This variant has been reported to the ClinVar database as Pathogenic/Likely Pathogenic. The amino acid Gly at position 919 is changed to a Ser changing protein sequence and it might alter its composition and physico-chemical properties. Multiple lines of computational evidence (Polyphen - Possibly damaging, SIFT – Damaging and MutationTaster - Disease causing) predict a damaging effect on protein structure and function for this variant. The residue is conserved by GERP++ and PhyloP across 100 vertebrates. For these reasons, this variant has been classified as Pathogenic.

Ambry Genetics
Classification: Likely pathogenic for Cardiovascular phenotype. Last evaluated: 2023-08-17. Review status: criteria provided, single submitter. Criteria: Ambry Variant Classification Scheme 2023. Collection method: clinical testing. Allele origin: germline.
Comment: The p.G919S variant (also known as c.2755G>A), located in coding exon 42 of the COL1A2 gene, results from a G to A substitution at nucleotide position 2755. The glycine at codon 919 is replaced by serine, an amino acid with similar properties. The majority of pathogenic mutations identified to date in COL1A2 have involved the substitution of another amino acid for glycine within the triple-helical domain (Dagleish R. Nucleic Acids Res. 1997 Jan 1;25(1):181-7; Marini JC et al. Hum Mutat. 2007 Mar;28(3):209-21; Bardai G et al. Osteoporos Int 2016 Dec;27(12):3607-3613). This particular glycine substitution has been reported in individuals with features consistent with osteogenesis imperfecta and/or osteogenesis imperfecta overlap disorder, including a reported de novo occurrence (Morlino S et al. Clin Genet, 2020 Mar;97:396-406; Ju M et al. J Bone Miner Metab, 2020 Mar;38:188-197; Leone MP et al. Hum Genet, 2023 Jun;142:785-808;Venable E et al. Am J Med Genet C Semin Med Genet, 2023 Jun;193:147-159). Internal structural analysis indicates that this alteration disrupts the characteristic G-X-Y motif in the COL1A2 protein and inserts a bulky side chain into a sterically-constrained region (Bella J et al. Science. 1994;266:75-81; Hohenester E et al. Proc. Natl. Acad. Sci. U.S.A. 2008;105:18273-7; Ambry internal data). This amino acid position is highly conserved in available vertebrate species. In addition, this alteration is predicted to be deleterious by in silico analysis. Based on the supporting evidence, this variant is expected to be causative of autosomal dominant COL1A2-related osteogenesis imperfecta/overlap disorder; however, its clinical significance for autosomal recessive COL1A2-related cardiac valvular type Ehlers-Danlos syndrome is unclear.

Juno Genomics, Hangzhou Juno Genomics, Inc
Classification: Likely pathogenic for Osteoporosis; Combined osteogenesis imperfecta and Ehlers-Danlos syndrome 2; Ehlers-Danlos syndrome, arthrochalasia type, 2; Ehlers-Danlos syndrome, cardiac valvular type; Osteogenesis imperfecta, perinatal lethal; Osteogenesis imperfecta type III; Osteogenesis imperfecta with normal sclerae, dominant form. Review status: criteria provided, single submitter. Criteria: ACMG Guidelines, 2015. Collection method: clinical testing. Allele origin: germline.
Comment: Absent from controls (or at extremely low frequency if recessive) in Genome Aggregation Database.;Novel missense change at an amino acid residue where a different missense change determined to be pathogenic has been seen before.;Multiple lines of computational evidence support a deleterious effect on the gene or gene product.;The prevalence of the variant in affected individuals is significantly increased compared to the prevalence in controls.

PreventionGenetics, part of Exact Sciences
Classification: Likely pathogenic for COL1A2-related condition. Last evaluated: 2024-06-27. Review status: no assertion criteria provided. Collection method: clinical testing. Allele origin: germline. Not counted in ClinVar's aggregate classification.
Comment: The COL1A2 c.2755G>A variant is predicted to result in the amino acid substitution p.Gly919Ser. The p.Gly919 amino acid is located in the conserved Gly-Xaa-Yaa triple helical domain where substitutions of a glycine are usually pathogenic (Marini et al. 2007. PubMed ID: 17078022). This variant has been reported in two unrelated individuals with osteogenesis imperfecta type IV (Ju et al 2020. PubMed ID: 31414283; Morlino et al 2019. PubMed ID: 31794058). In at least one individual, this variant occurred de novo (Patient 16 in Morlino et al. 2020. PubMed ID: 31794058 ). This variant is reported in 0.02% of alleles in individuals of East Asian descent in gnomAD, suggesting the likelihood of incomplete penetrance. Considering all this evidence together, we interpret this variant as likely pathogenic.

Literature cited by the submitters: PubMed 12362985 (cited by Victorian Clinical Genetics Services, Murdoch Childrens Research Institute); PubMed 20301472 (cited by Victorian Clinical Genetics Services, Murdoch Childrens Research Institute); PubMed 31794058 (cited by 3 submitters); PubMed 31218159 (cited by Victorian Clinical Genetics Services, Murdoch Childrens Research Institute); PubMed 31414283 (cited by 3 submitters); PubMed 35052464 (cited by Victorian Clinical Genetics Services, Murdoch Childrens Research Institute); PubMed 36896471 (cited by Victorian Clinical Genetics Services, Murdoch Childrens Research Institute and Ambry Genetics); PubMed 24863959 (cited by Victorian Clinical Genetics Services, Murdoch Childrens Research Institute); PubMed 7695699 (cited by Labcorp Genetics (formerly Invitae), Labcorp); PubMed 8218237 (cited by Labcorp Genetics (formerly Invitae), Labcorp); PubMed 19344236 (cited by Labcorp Genetics (formerly Invitae), Labcorp); PubMed 9016532 (cited by Labcorp Genetics (formerly Invitae), Labcorp); PubMed 17078022 (cited by Labcorp Genetics (formerly Invitae), Labcorp); PubMed 33110269 (cited by Ambry Genetics); PubMed 37079061 (cited by Ambry Genetics).